The following is an entry in ClinVar:

NM_021871.4(FGA):c.699T>C (p.Val233=)

Gene: FGA (fibrinogen alpha chain; minus strand). Cytogenetic location: 4q31.3.
Variant type: single nucleotide variant.
Coding change: c.699T>C on transcript NM_021871.4 (MANE Select); coding-DNA position 699, T replaced by C.
Protein change: p.Val233=; no amino-acid change (valine 233 retained).
Molecular consequence: synonymous variant.
Genome position (GRCh38, 1-based): chr4:154,586,730, A>G on the plus strand (T>C on the coding strand, the complement: FGA is on the minus strand). VCF-style: chr4-154586730-A-G. GRCh37 (hg19) VCF-style: chr4-155507882-A-G.
Other names: c.699T>C, p.Val233= (NM_000508.5).
Identifiers: ClinVar variation 3048053 (VCV003048053.2), dbSNP rs1372526665, ClinGen allele CA442014676.

ClinVar aggregate classification (germline): Likely benign (0 of 4 stars; one submission).

Conditions:
FGA-related disorder. Also called: FGA-related condition; FGA-related disorders.

Allele frequency attached by ClinVar (database versions not stated): gnomAD exomes below 0.00001.

Submission:

PreventionGenetics, part of Exact Sciences
Classification: Likely benign for FGA-related condition. Last evaluated: 2024-01-08. Review status: no assertion criteria provided. Collection method: clinical testing. Allele origin: germline.
Comment: This variant is classified as likely benign based on ACMG/AMP sequence variant interpretation guidelines (Richards et al. 2015 PMID: 25741868, with internal and published modifications).